The following is an entry in ClinVar:

NM_018418.5(SPATA7):c.381C>T (p.Gly127=)

Gene: SPATA7 (spermatogenesis associated 7; plus strand). Cytogenetic location: 14q31.3.
Variant type: single nucleotide variant.
Coding change: c.381C>T on transcript NM_018418.5 (MANE Select); coding-DNA position 381, C replaced by T.
Protein change: p.Gly127=; no amino-acid change (glycine 127 retained).
Molecular consequence: synonymous variant.
Genome position (GRCh38, 1-based): chr14:88,426,240, C>T. VCF-style: chr14-88426240-C-T. GRCh37 (hg19) VCF-style: chr14-88892584-C-T.
Other names: c.285C>T, p.Gly95= (NM_001040428.4); c.381C>T (NM_018418.4).
Identifiers: ClinVar variation 1167548 (VCV001167548.12), dbSNP rs371280215, ClinGen allele CA7298526.

ClinVar aggregate classification (germline): Benign/Likely benign. Review status: criteria provided, multiple submitters, no conflicts (2 of 4 stars). 4 submissions from 4 submitters: Benign (1); Likely benign (1). 2 of the submissions do not count toward it. Last evaluated 2026-01-20.

Conditions:
Leber congenital amaurosis 3 (LCA3). Also called: SPATA7-Related Retinitis Pigmentosa. Identifiers: MedGen C1858677, MONDO:0011415, OMIM 604232.
SPATA7-related disorder. Also called: SPATA7-related condition; SPATA7-related disorders. Identifiers: MedGen CN239422.
Retinal dystrophy. Also called: Inherited retinal dystrophy. Identifiers: Orphanet 71862, MedGen C0854723, MeSH D058499, MONDO:0019118, HP:0000556.

Allele frequency attached by ClinVar (database versions not stated): ESP Exome Variant Server 0.00008; TOPMed 0.00009; 1000 Genomes Project 30x 0.00016; ExAC 0.00045; gnomAD exomes 0.00045; gnomAD 0.00054 and 0.00058.
gnomAD v4.1: 302 of 1,613,026 alleles (0.019%); highest among the groups gnomAD compares: African/African-American, 0.02%; no homozygotes.

Submissions (4):

Labcorp Genetics (formerly Invitae), Labcorp
Classification: Benign for Leber congenital amaurosis 3. Last evaluated: 2026-01-20. Review status: criteria provided, single submitter. Criteria: Invitae Variant Classification Sherloc (09022015). Collection method: clinical testing. Allele origin: germline.

Blueprint Genetics
Classification: Likely benign. Last evaluated: 2024-10-01. Review status: criteria provided, single submitter. Criteria: ACMG Guidelines, 2015. Collection method: clinical testing. Allele origin: germline.

PreventionGenetics, part of Exact Sciences
Classification: Likely benign for SPATA7-related condition. Last evaluated: 2024-08-22. Review status: no assertion criteria provided. Collection method: clinical testing. Allele origin: germline. Not counted in ClinVar's aggregate classification.
Comment: This variant is classified as likely benign based on ACMG/AMP sequence variant interpretation guidelines (Richards et al. 2015 PMID: 25741868, with internal and published modifications).

Institute of Human Genetics, Univ. Regensburg, Univ. Regensburg
Classification: Uncertain significance for Retinal dystrophy. Last evaluated: 2018-01-01. Review status: no assertion criteria provided. Criteria: ACMG Guidelines, 2015. Collection method: clinical testing. Allele origin: germline. Affected: yes. Not counted in ClinVar's aggregate classification.